The following is an entry in ClinVar:

NM_000834.5(GRIN2B):c.1329G>C (p.Glu443Asp)

Gene: GRIN2B (glutamate ionotropic receptor NMDA type subunit 2B; minus strand). Cytogenetic location: 12p13.1.
Variant type: single nucleotide variant.
Coding change: c.1329G>C on transcript NM_000834.5 (MANE Select); coding-DNA position 1329, G replaced by C.
Protein change: p.Glu443Asp; replaces glutamic acid 443 with aspartic acid.
Molecular consequence: missense variant.
Genome position (GRCh38, 1-based): chr12:13,615,664, C>G on the plus strand (G>C on the coding strand, the complement: GRIN2B is on the minus strand). VCF-style: chr12-13615664-C-G. GRCh37 (hg19) VCF-style: chr12-13768598-C-G.
Other names: short protein forms E443D.
Identifiers: ClinVar variation 1708932 (VCV001708932.4), dbSNP rs887991120, ClinGen allele CA233011183.

ClinVar aggregate classification (germline): Uncertain significance. Review status: criteria provided, multiple submitters, no conflicts (2 of 4 stars). 2 submissions from 2 submitters: Uncertain significance (2). Last evaluated 2025-11-17.

Conditions:
Intellectual developmental disorder, autosomal dominant 6, with or without seizures. Also called: GRIN2B-related developmental delay, intellectual disability and autism spectrum disorder; Intellectual disability, autosomal dominant 6. Identifiers: Orphanet 589547, MedGen C3151411, MONDO:0013509, OMIM 613970.
Developmental and epileptic encephalopathy, 27 (DEE27). Also called: GRIN2B-Related Neurodevelopmental Disorder; Epileptic encephalopathy, early infantile, 27. Identifiers: Orphanet 3451, MedGen C4015316, MONDO:0014505, OMIM 616139.

gnomAD v4.1: 1 of 1,612,528 alleles (0.000062%); no homozygotes.

Submissions (2):

Labcorp Genetics (formerly Invitae), Labcorp
Classification: Uncertain significance for Developmental and epileptic encephalopathy, 27; Intellectual developmental disorder, autosomal dominant 6, with or without seizures. Last evaluated: 2025-11-17. Review status: criteria provided, single submitter. Criteria: Invitae Variant Classification Sherloc (09022015). Collection method: clinical testing. Allele origin: germline.
Comment: This sequence change replaces glutamic acid, which is acidic and polar, with aspartic acid, which is acidic and polar, at codon 443 of the GRIN2B protein (p.Glu443Asp). This variant is not present in population databases (gnomAD no frequency). This variant has not been reported in the literature in individuals affected with GRIN2B-related conditions. ClinVar contains an entry for this variant (Variation ID: 1708932). An algorithm developed to predict the effect of missense changes on protein structure and function (PolyPhen-2) suggests that this variant is likely to be tolerated. In summary, the available evidence is currently insufficient to determine the role of this variant in disease. Therefore, it has been classified as a Variant of Uncertain Significance.

GeneDx
Classification: Uncertain significance. Last evaluated: 2025-05-05. Review status: criteria provided, single submitter. Criteria: GeneDx Variant Classification Process June 2021. Collection method: clinical testing. Allele origin: germline. Affected: yes.
Comment: Not observed at significant frequency in large population cohorts (gnomAD); In silico analysis supports that this missense variant has a deleterious effect on protein structure/function; Has not been previously published as pathogenic or benign to our knowledge; This variant is associated with the following publications: (PMID: 27839871)